The following is an entry in ClinVar:

ClinVar aggregate classification (germline): Conflicting classifications of pathogenicity. Review status: criteria provided, conflicting classifications (1 of 4 stars). 6 submissions from 6 submitters: Uncertain significance (4); Likely benign (2). Last evaluated 2026-08-01.

Conditions:
Inborn genetic diseases. Identifiers: MedGen C0950123, MeSH D030342.
Nemaline myopathy 8 (NEM8). Also called: Nemaline myopathy 8, autosomal recessive. Identifiers: Orphanet 171430, MedGen C3809209, MONDO:0014138, OMIM 615348.

Allele frequency attached by ClinVar (database versions not stated): 1000 Genomes Project 30x 0.00016; 1000 Genomes Project 0.00020; TOPMed 0.00032; gnomAD 0.00038 and 0.00039; gnomAD exomes 0.00051; ExAC 0.00053; ESP Exome Variant Server 0.00062.
gnomAD v4.1: 1,258 of 1,613,178 alleles (0.078%); highest among the groups gnomAD compares: South Asian, 0.097%; 1 homozygote.

Submissions (6):

CeGaT Center for Human Genetics Tuebingen
Classification: Likely benign. Last evaluated: 2026-08-01. Review status: criteria provided, single submitter. Criteria: CeGaT Center For Human Genetics Tuebingen Variant Classification Criteria Version 2. Collection method: clinical testing. Allele origin: germline. Affected: yes. Observed: 2 variant alleles.
Comment: KLHL40: BS2

GeneDx
Classification: Uncertain significance. Last evaluated: 2025-07-24. Review status: criteria provided, single submitter. Criteria: GeneDx Variant Classification Process June 2021. Collection method: clinical testing. Allele origin: germline.
Comment: In silico analysis suggests that this missense variant does not alter protein structure/function; Has not been previously published as pathogenic or benign to our knowledge

Blueprint Genetics
Classification: Uncertain significance. Last evaluated: 2024-09-10. Review status: criteria provided, single submitter. Criteria: ACMG Guidelines, 2015. Collection method: clinical testing. Allele origin: germline.

Ambry Genetics
Classification: Uncertain significance for Inborn genetic diseases. Last evaluated: 2024-09-04. Review status: criteria provided, single submitter. Criteria: Ambry Variant Classification Scheme 2023. Collection method: clinical testing. Allele origin: germline.

Labcorp Genetics (formerly Invitae), Labcorp
Classification: Uncertain significance for Nemaline myopathy 8. Last evaluated: 2022-09-27. Review status: criteria provided, single submitter. Criteria: Invitae Variant Classification Sherloc (09022015). Collection method: clinical testing. Allele origin: germline.
Comment: This sequence change replaces aspartic acid, which is acidic and polar, with histidine, which is basic and polar, at codon 80 of the KLHL40 protein (p.Asp80His). This variant is present in population databases (rs144461124, gnomAD 0.1%), and has an allele count higher than expected for a pathogenic variant. This variant has not been reported in the literature in individuals affected with KLHL40-related conditions. ClinVar contains an entry for this variant (Variation ID: 639447). Advanced modeling of protein sequence and biophysical properties (such as structural, functional, and spatial information, amino acid conservation, physicochemical variation, residue mobility, and thermodynamic stability) performed at Invitae indicates that this missense variant is not expected to disrupt KLHL40 protein function. In summary, the available evidence is currently insufficient to determine the role of this variant in disease. Therefore, it has been classified as a Variant of Uncertain Significance.

Athena Diagnostics
Classification: Likely benign. Last evaluated: 2019-12-26. Review status: criteria provided, single submitter. Criteria: Athena Diagnostics Criteria. Collection method: clinical testing. Allele origin: unknown.

NM_152393.4(KLHL40):c.238G>C (p.Asp80His)

Gene: KLHL40 (kelch like family member 40; plus strand). Cytogenetic location: 3p22.1.
Variant type: single nucleotide variant.
Coding change: c.238G>C on transcript NM_152393.4 (MANE Select); coding-DNA position 238, G replaced by C.
Protein change: p.Asp80His; replaces aspartic acid 80 with histidine.
Molecular consequence: missense variant.
Genome position (GRCh38, 1-based): chr3:42,685,856, G>C. VCF-style: chr3-42685856-G-C. GRCh37 (hg19) VCF-style: chr3-42727348-G-C.
Other names: c.238G>C (NM_152393.2); short protein forms D80H.
Identifiers: ClinVar variation 639447 (VCV000639447.16), dbSNP rs144461124, ClinGen allele CA2336606.